The following is an entry in ClinVar:

ClinVar aggregate classification (germline): Conflicting classifications of pathogenicity. Review status: criteria provided, conflicting classifications (1 of 4 stars). 2 submissions from 2 submitters: Uncertain significance (1); Likely benign (1). Last evaluated 2026-06-17.

Conditions:
POLG-related disorder. Also called: POLG-Related Spectrum Disorders; POLG-related condition; POLG-Related Disorders. Identifiers: MedGen C4763519.
Progressive sclerosing poliodystrophy (MTDPS4A). Also called: NEURONAL DEGENERATION OF CHILDHOOD WITH LIVER DISEASE, PROGRESSIVE; Alpers Syndrome; Mitochondrial DNA Depletion Syndrome 4A; Alpers-Huttenlocher Syndrome (AHS); Mitochondrial DNA depletion syndrome 4A (Alpers type); ALPERS PROGRESSIVE INFANTILE POLIODYSTROPHY. Identifiers: Orphanet 726, MedGen C0205710, MONDO:0008758, OMIM 203700.

Allele frequency attached by ClinVar (database versions not stated): gnomAD exomes below 0.00001 and 0.00001; ExAC 0.00001; TOPMed 0.00002.

Submissions (2):

Myriad Genetics, Inc.
Classification: Uncertain significance for POLG-related disorder. Last evaluated: 2026-06-17. Review status: criteria provided, single submitter. Criteria: Myriad Autosomal Dominant, Autosomal Recessive and X-Linked Classification Criteria (2023). Collection method: clinical testing. Allele origin: unknown.
Comment: NM_002693.2(POLG):c.159_167dup9(Q58_Q60dup) is an in-frame insertion classified as a variant of uncertain significance in the context of POLG-related disorders. Q58_Q60dup has not been observed in cases with relevant disease. Relevant functional assessments of this variant are not available in the literature. Q58_Q60dup has been observed in referenced population frequency databases. In summary, there is insufficient evidence to classify NM_002693.2(POLG):c.159_167dup9(Q58_Q60dup) as pathogenic or benign. Please note: this variant was assessed in the context of healthy population screening.

Labcorp Genetics (formerly Invitae), Labcorp
Classification: Likely benign for Progressive sclerosing poliodystrophy. Last evaluated: 2025-12-03. Review status: criteria provided, single submitter. Criteria: Invitae Variant Classification Sherloc (09022015). Collection method: clinical testing. Allele origin: germline.

NM_002693.3(POLG):c.159_167dup (p.55QPQ[3])

Genes: POLG (DNA polymerase gamma, catalytic subunit; minus strand), POLGARF (POLG alternative reading frame; minus strand). Cytogenetic location: 15q26.1.
Variant type: Duplication.
Coding change: c.159_167dup on transcript NM_002693.3 (MANE Select); coding-DNA positions 159 to 167, 9 bases duplicated (ACAGCAGCC; older notation c.159_167dupACAGCAGCC).
Protein change: p.55QPQ[3].
Molecular consequence: inframe insertion.
Genome position (GRCh38, 1-based): chr15:89,333,588-89,333,596, GGCTGCTGT duplicated on the plus strand (ACAGCAGCC on the coding strand, the reverse complement: POLG is on the minus strand). VCF-style (leftmost placement, unchanged base first): chr15-89333587-A-AGGCTGCTGT. GRCh37 (hg19) VCF-style: chr15-89876818-A-AGGCTGCTGT.
Other names: c.159_167dup, p.55QPQ[3] (NM_001126131.2).
Identifiers: ClinVar variation 753869 (VCV000753869.12), dbSNP rs776709929, ClinGen allele CA7725170.